The following is an entry in ClinVar:

ClinVar aggregate classification (germline): Uncertain significance. Review status: criteria provided, multiple submitters, no conflicts (2 of 4 stars). 4 submissions from 4 submitters: Uncertain significance (4). Last evaluated 2026-03-06.

Conditions:
TRIM32-related disorder. Also called: TRIM32-related condition.
Bardet-Biedl syndrome (BBS). Identifiers: Orphanet 110, MedGen C0752166, MONDO:0015229.

Allele frequency attached by ClinVar (database versions not stated): gnomAD exomes 0.00001 and 0.00003; TOPMed 0.00002; ExAC 0.00003.
gnomAD v4.1: 16 of 1,614,002 alleles (0.00099%); highest among the groups gnomAD compares: Admixed American, 0.005%; no homozygotes.

Submissions (4):

PreventionGenetics, part of Exact Sciences
Classification: Uncertain significance for TRIM32-related condition. Last evaluated: 2026-03-06. Review status: criteria provided, single submitter. Criteria: ACMG Guidelines, 2015. Collection method: clinical testing. Allele origin: germline.
Comment: The TRIM32 c.24C>A variant is predicted to result in the amino acid substitution p.His8Gln. To our knowledge, this variant has not been reported in the literature. This variant is reported in 0.012% of alleles in individuals of Latino descent in gnomAD. At this time, the clinical significance of this variant is uncertain due to the absence of conclusive functional and genetic evidence.

Labcorp Genetics (formerly Invitae), Labcorp
Classification: Uncertain significance for Bardet-Biedl syndrome. Last evaluated: 2022-08-23. Review status: criteria provided, single submitter. Criteria: Invitae Variant Classification Sherloc (09022015). Collection method: clinical testing. Allele origin: germline.
Comment: This sequence change replaces histidine, which is basic and polar, with glutamine, which is neutral and polar, at codon 8 of the TRIM32 protein (p.His8Gln). This variant is present in population databases (rs774511117, gnomAD 0.009%). This variant has not been reported in the literature in individuals affected with TRIM32-related conditions. ClinVar contains an entry for this variant (Variation ID: 288819). Algorithms developed to predict the effect of missense changes on protein structure and function (SIFT, PolyPhen-2, Align-GVGD) all suggest that this variant is likely to be tolerated. In summary, the available evidence is currently insufficient to determine the role of this variant in disease. Therefore, it has been classified as a Variant of Uncertain Significance.

Revvity Omics, Revvity
Classification: Uncertain significance. Last evaluated: 2019-06-25. Review status: criteria provided, single submitter. Criteria: ACMG Guidelines, 2015. Collection method: clinical testing. Allele origin: germline.

Eurofins Ntd Llc (ga)
Classification: Uncertain significance. Last evaluated: 2018-02-15. Review status: criteria provided, single submitter. Criteria: EGL ClinVar v180209 classification definitions. Collection method: clinical testing. Allele origin: germline. Observed: 2 variant alleles, 2 heterozygotes.

NM_012210.4(TRIM32):c.24C>A (p.His8Gln)

Genes: ASTN2 (astrotactin 2; minus strand), TRIM32 (tripartite motif containing 32; plus strand). Cytogenetic location: 9q33.1.
Variant type: single nucleotide variant.
Coding change: c.24C>A on transcript NM_012210.4 (MANE Select); coding-DNA position 24, C replaced by A.
Protein change: p.His8Gln; replaces histidine 8 with glutamine.
Molecular consequence: missense variant. On other transcripts: intron variant (3).
Genome position (GRCh38, 1-based): chr9:116,697,766, C>A. VCF-style: chr9-116697766-C-A. GRCh37 (hg19) VCF-style: chr9-119460045-C-A.
Other names: c.24C>A, p.His8Gln (NM_001099679.2, NM_001379048.1, NM_001379049.1 and 1 more transcripts); c.2653+28005G>T (NM_014010.5); c.2794+28005G>T (NM_001365069.1); c.2806+28005G>T (NM_001365068.1); short protein forms H8Q.
Identifiers: ClinVar variation 288819 (VCV000288819.12), dbSNP rs774511117, ClinGen allele CA5210888.
Genomic context (GRCh38, chr9:116,697,766, plus strand): 5'-CTGAGCTGTGCTAGCAATACCCTTCAAAGGAAGAGCAATGGCTGCAGCAGCAGCTTCTCA[C>A]CTGAACCTGGATGCCCTCCGGGAAGTGCTAGAATGCCCCATCTGCATGGAGTCCTTCACA-3'
Protein context (NP_036342.2, residues 1-18): MAAAAAS[His8Gln]LNLDALREVL